The following is an entry in ClinVar:

NM_014813.3(LRIG2):c.660-7G>A

Gene: LRIG2 (leucine rich repeats and immunoglobulin like domains 2; plus strand). Cytogenetic location: 1p13.2.
Variant type: single nucleotide variant.
Coding change: c.660-7G>A on transcript NM_014813.3 (MANE Select); 7 bases into the intron before coding-DNA position 660, G replaced by A.
Molecular consequence: intron variant.
Genome position (GRCh38, 1-based): chr1:113,094,605, G>A. VCF-style: chr1-113094605-G-A. GRCh37 (hg19) VCF-style: chr1-113637227-G-A.
Other names: c.351-7G>A (NM_001312686.2).
Identifiers: ClinVar variation 3035897 (VCV003035897.2), dbSNP rs756644581, ClinGen allele CA1011771.
Genomic context (GRCh38, chr1:113,094,605, plus strand): 5'-TAATTTAATTACTGTTAGAACATTTTAGCAAACCAATTTCCTGACTGTAAAACTATTTTT[G>A]TTAAAGGGAACTTAAAAGAAACAGAATTAAAATTGTGGAAGGTCTTACATTCCAAGGGCT-3'

ClinVar aggregate classification (germline): Likely benign (0 of 4 stars; one submission).

Conditions:
LRIG2-related disorder. Also called: LRIG2-related condition.

Allele frequency attached by ClinVar (database versions not stated): gnomAD exomes 0.00001; ExAC 0.00002; TOPMed 0.00003; gnomAD 0.00004.
gnomAD v4.1: 12 of 1,607,192 alleles (0.00075%); highest among the groups gnomAD compares: African/African-American, 0.011%; no homozygotes.

Submission:

PreventionGenetics, part of Exact Sciences
Classification: Likely benign for LRIG2-related condition. Last evaluated: 2019-08-01. Review status: no assertion criteria provided. Collection method: clinical testing. Allele origin: germline.
Comment: This variant is classified as likely benign based on ACMG/AMP sequence variant interpretation guidelines (Richards et al. 2015 PMID: 25741868, with internal and published modifications).